The following is an entry in ClinVar:

ClinVar aggregate classification (germline): Likely pathogenic (1 of 4 stars; one submission).

Conditions:
MEGF10-related myopathy (CMYO10A). Also called: Congenital myopathy 10A, severe variant. Identifiers: Orphanet 439212, MedGen C3280679, MONDO:0013731, OMIM 614399.

Allele frequency attached by ClinVar (database versions not stated): gnomAD exomes below 0.00001.
gnomAD v4.1: 1 of 1,612,760 alleles (0.000062%); highest among the groups gnomAD compares: Non-Finnish European, 0.000085%; no homozygotes.

Submission:

Labcorp Genetics (formerly Invitae), Labcorp
Classification: Likely pathogenic for MEGF10-related myopathy. Last evaluated: 2022-08-09. Review status: criteria provided, single submitter. Criteria: Invitae Variant Classification Sherloc (09022015). Collection method: clinical testing. Allele origin: germline.
Comment: In summary, the currently available evidence indicates that the variant is pathogenic, but additional data are needed to prove that conclusively. Therefore, this variant has been classified as Likely Pathogenic. Algorithms developed to predict the effect of sequence changes on RNA splicing suggest that this variant may disrupt the consensus splice site. This variant has not been reported in the literature in individuals affected with MEGF10-related conditions. This variant is not present in population databases (gnomAD no frequency). This sequence change affects an acceptor splice site in intron 8 of the MEGF10 gene. It is expected to disrupt RNA splicing. Variants that disrupt the donor or acceptor splice site typically lead to a loss of protein function (PMID: 16199547), and loss-of-function variants in MEGF10 are known to be pathogenic (PMID: 22101682, 22371254, 23453856, 23954233).

Literature cited by the submitters: PubMed 16199547; PubMed 22101682; PubMed 22371254; PubMed 23453856; PubMed 23954233.

NM_001256545.2(MEGF10):c.781-1G>A

Gene: MEGF10 (multiple EGF like domains 10; plus strand). Cytogenetic location: 5q23.2.
Variant type: single nucleotide variant.
Coding change: c.781-1G>A on transcript NM_001256545.2 (MANE Select); the canonical splice acceptor site of the intron before coding-DNA position 781, G replaced by A.
Molecular consequence: splice acceptor variant.
Genome position (GRCh38, 1-based): chr5:127,402,545, G>A. VCF-style: chr5-127402545-G-A. GRCh37 (hg19) VCF-style: chr5-126738237-G-A.
Other names: c.781-1G>A (NM_032446.3, NM_001308119.2, NM_001308121.2).
Identifiers: ClinVar variation 2073629 (VCV002073629.4), dbSNP rs2479650289, ClinGen allele CA360722102.